The following is an entry in ClinVar:

NM_005726.6(TSFM):c.978G>A (p.Ter326=)

Gene: TSFM (Ts translation elongation factor, mitochondrial; plus strand). Cytogenetic location: 12q14.1.
Variant type: single nucleotide variant.
Coding change: c.978G>A on transcript NM_005726.6 (MANE Select); coding-DNA position 978, G replaced by A.
Protein change: p.Ter326=.
Molecular consequence: synonymous variant. On other transcripts: 3 prime UTR variant (1), intron variant (1).
Genome position (GRCh38, 1-based): chr12:57,796,583, G>A. VCF-style: chr12-57796583-G-A. GRCh37 (hg19) VCF-style: chr12-58190366-G-A.
Other names: c.*386G>A (NM_001172695.2); c.1041G>A, p.Ter347= (NM_001172696.2); c.571+3510G>A (NM_001172697.2).
Identifiers: ClinVar variation 1305295 (VCV001305295.6), dbSNP rs766301009, ClinGen allele CA6659484.
Genomic context (GRCh38, chr12:57,796,583, plus strand): 5'-GGTAGTAGACTTTGTGCGGTTTGAATGTGGAGAAGGTGAAGAGGCAGCAGAAACTGAATA[G>A]GTTCCAGAGACTTTTGGCCCAGGAGGAATATTTACTTTTAGCTCTGGACATCATTACAAA-3'

ClinVar aggregate classification (germline): Conflicting classifications of pathogenicity. Review status: criteria provided, conflicting classifications (1 of 4 stars). 2 submissions from 2 submitters: Uncertain significance (1); Likely benign (1). Last evaluated 2025-12-24.

Allele frequency attached by ClinVar (database versions not stated): gnomAD 0.00001 and 0.00003; TOPMed 0.00002; gnomAD exomes 0.00003; ExAC 0.00006.

Submissions (2):

Labcorp Genetics (formerly Invitae), Labcorp
Classification: Likely benign. Last evaluated: 2025-12-24. Review status: criteria provided, single submitter. Criteria: Invitae Variant Classification Sherloc (09022015). Collection method: clinical testing. Allele origin: germline.

GeneDx
Classification: Uncertain significance. Last evaluated: 2019-04-29. Review status: criteria provided, single submitter. Criteria: GeneDx Variant Classification Process June 2021. Collection method: clinical testing. Allele origin: germline. Affected: yes.
Comment: Has not been previously published as pathogenic or benign to our knowledge; In silico analysis, which includes splice predictors and evolutionary conservation, supports that this variant does not alter protein structure/function